The following is an entry in ClinVar:

ClinVar aggregate classification (germline): Uncertain significance (1 of 4 stars; one submission).

Conditions:
Dilated cardiomyopathy 1AA (CMD1AA). Also called: CARDIOMYOPATHY, DILATED, 1AA, WITH OR WITHOUT LEFT VENTRICULAR NONCOMPACTION; CARDIOMYOPATHY, FAMILIAL HYPERTROPHIC, 23, WITH OR WITHOUT LEFT VENTRICULAR NONCOMPACTION; Cardiomyopathy, dilated, 1AA, with or without LVNC. Identifiers: Orphanet 154, MedGen C2677338, MONDO:0012808, OMIM 612158.

Submission:

Baylor Genetics
Classification: Uncertain significance for Dilated cardiomyopathy 1AA. Last evaluated: 2020-06-03. Review status: criteria provided, single submitter. Criteria: ACMG Guidelines, 2015. Collection method: clinical testing. Allele origin: unknown. Affected: yes.
Comment: This variant was determined to be of uncertain significance according to ACMG Guidelines, 2015 [PMID:25741868].

NM_001103.4(ACTN2):c.1135G>T (p.Glu379Ter)

Gene: ACTN2 (actinin alpha 2; plus strand). Cytogenetic location: 1q43.
Variant type: single nucleotide variant.
Coding change: c.1135G>T on transcript NM_001103.4 (MANE Select); coding-DNA position 1135, G replaced by T.
Protein change: p.Glu379Ter; replaces glutamic acid 379 with a stop codon.
Molecular consequence: nonsense.
Genome position (GRCh38, 1-based): chr1:236,742,923, G>T. VCF-style: chr1-236742923-G-T. GRCh37 (hg19) VCF-style: chr1-236906223-G-T.
Other names: c.1135G>T, p.Glu379Ter (NM_001278343.2); c.511G>T, p.Glu171Ter (NM_001278344.2); short protein forms E379*, E171*.
Identifiers: ClinVar variation 1030142 (VCV001030142.1), dbSNP rs1659115252, ClinGen allele CA345382059.